The following is an entry in ClinVar:

ClinVar aggregate classification (germline): Pathogenic/Likely pathogenic. Review status: criteria provided, multiple submitters, no conflicts (2 of 4 stars). 8 submissions from 8 submitters: Pathogenic (4); Likely pathogenic (2). 2 of the submissions do not count toward it. Last evaluated 2025-12-23.

Conditions:
PMS2-related disorder. Also called: PMS2-related condition.
Hereditary cancer-predisposing syndrome. Also called: Tumor predisposition; Hereditary Cancer Syndrome; Hereditary neoplastic syndrome; Neoplastic Syndromes, Hereditary. Identifiers: Orphanet 140162, MedGen C0027672, MeSH D009386, MONDO:0015356.
Hereditary nonpolyposis colorectal neoplasms. Identifiers: MedGen C0009405, MeSH D003123.
Lynch syndrome 4 (LYNCH4). Also called: Hereditary non-polyposis colorectal cancer, type 4; Colorectal cancer, hereditary nonpolyposis, type 4. Identifiers: Orphanet 144, MedGen C1838333, MONDO:0013699, OMIM 614337. Disease mechanism: loss of function.

Submissions (8):

GeneDx
Classification: Pathogenic. Last evaluated: 2025-12-23. Review status: criteria provided, single submitter. Criteria: GeneDx Variant Classification Process June 2021. Collection method: clinical testing. Allele origin: germline. Affected: yes.
Comment: Nonsense variant predicted to result in protein truncation or nonsense mediated decay in a gene for which loss of function is a known mechanism of disease; Not observed in large population cohorts (gnomAD); Truncating variants in this gene are considered pathogenic by a well-established clinical consortium and/or database; Has not been previously published as pathogenic or benign to our knowledge; This variant is associated with the following publications: (PMID: 30612635)

Labcorp Genetics (formerly Invitae), Labcorp
Classification: Pathogenic for Hereditary nonpolyposis colorectal neoplasms. Last evaluated: 2025-05-05. Review status: criteria provided, single submitter. Criteria: Invitae Variant Classification Sherloc (09022015). Collection method: clinical testing. Allele origin: germline.
Comment: This sequence change creates a premature translational stop signal (p.Gly219*) in the PMS2 gene. It is expected to result in an absent or disrupted protein product. Loss-of-function variants in PMS2 are known to be pathogenic (PMID: 21376568, 24362816). This variant is not present in population databases (gnomAD no frequency). This variant has not been reported in the literature in individuals affected with PMS2-related conditions. ClinVar contains an entry for this variant (Variation ID: 423043). Algorithms developed to predict the effect of sequence changes on RNA splicing suggest that this variant may disrupt the consensus splice site. For these reasons, this variant has been classified as Pathogenic.

Ambry Genetics
Classification: Pathogenic for Hereditary cancer-predisposing syndrome. Last evaluated: 2024-10-27. Review status: criteria provided, single submitter. Criteria: Ambry Variant Classification Scheme 2023. Collection method: clinical testing. Allele origin: germline.
Comment: The p.G219* pathogenic mutation (also known as c.655G>T), located in coding exon 6 of the PMS2 gene, results from a G to T substitution at nucleotide position 655. This changes the amino acid from a glycine to a stop codon within coding exon 6. This variant is considered to be rare based on population cohorts in the Genome Aggregation Database (gnomAD). This alteration is expected to result in loss of function by premature protein truncation or nonsense-mediated mRNA decay. As such, this alteration is interpreted as a disease-causing mutation.

Greenwood Genetic Center Diagnostic Laboratories, Greenwood Genetic Center
Classification: Likely pathogenic for PMS2-related disorder. Last evaluated: 2024-06-13. Review status: criteria provided, single submitter. Criteria: ACMG Guidelines, 2015. Collection method: clinical testing. Allele origin: germline.
Comment: PVS1, PM2

Myriad Genetics, Inc.
Classification: Pathogenic for Lynch syndrome 4. Last evaluated: 2023-09-19. Review status: criteria provided, single submitter. Criteria: Myriad Autosomal Dominant, Autosomal Recessive and X-Linked Classification Criteria (2023). Collection method: clinical testing. Allele origin: unknown.
Comment: This variant is considered pathogenic. This variant creates a termination codon and is predicted to result in premature protein truncation.

Blueprint Genetics
Classification: Likely pathogenic for PMS2-related disorders. Last evaluated: 2022-12-15. Review status: criteria provided, single submitter. Criteria: ACMG Guidelines, 2015. Collection method: clinical testing. Allele origin: germline. Affected: yes. Observed: 5 variant alleles.

PreventionGenetics, part of Exact Sciences
Classification: Pathogenic for PMS2-related condition. Last evaluated: 2024-06-10. Review status: no assertion criteria provided. Collection method: clinical testing. Allele origin: germline. Not counted in ClinVar's aggregate classification.
Comment: The PMS2 c.655G>T variant is predicted to result in premature protein termination (p.Gly219*). To our knowledge, this variant has not been reported in the literature or in a large population database, indicating this variant is rare. It is interpreted as pathogenic in ClinVar. Nonsense variants in PMS2 are expected to be pathogenic. This variant is interpreted as pathogenic.

Department of Pathology and Laboratory Medicine, Sinai Health System
Classification: Pathogenic. Review status: no assertion criteria provided. Collection method: clinical testing. Allele origin: unknown. Affected: yes. Observed: 1 variant allele. Study: The Canadian Open Genetics Repository (COGR). Not counted in ClinVar's aggregate classification.
Comment: The PMS2 p.Gly219X variant was not identified in the literature nor was it identified in the dbSNP, COGR, Cosmic, MutDB, Insight Colon Cancer Gene Variant, Zhejiang Colon Cancer, Mismatch Repair Genes Variant, and Insight Hereditary Tumors databases. The variant was identified in the ClinVar database as pathogenic by GeneDx and Invitae. The variant was not identified in the 1000 Genomes Project, the NHLBI GO Exome Sequencing Project, and the Exome Aggregation Consortium (August 8th 2016), or the Genome Aggregation Database (Feb 27, 2017). The p.Gly219X variant leads to a premature stop codon at position 219, which is predicted to lead to a truncated or absent protein and loss of function. Loss of function variants of the PMS2 gene are an established mechanism of disease in Lynch Syndrome and is the type of variant expected to cause the disorder. In summary, based on the above information this variant meets our laboratoryâ€šÃ„Ã´s criteria to be classified as pathogenic.

Literature cited by the submitters: PubMed 21376568 (cited by Labcorp Genetics (formerly Invitae), Labcorp); PubMed 24362816 (cited by Labcorp Genetics (formerly Invitae), Labcorp).

NM_000535.7(PMS2):c.655G>T (p.Gly219Ter)

Gene: PMS2 (PMS1 homolog 2, mismatch repair system component; minus strand). Cytogenetic location: 7p22.1.
Variant type: single nucleotide variant.
Coding change: c.655G>T on transcript NM_000535.7 (MANE Select); coding-DNA position 655, G replaced by T.
Protein change: p.Gly219Ter; replaces glycine 219 with a stop codon.
Molecular consequence: nonsense. On other transcripts: 5 prime UTR variant (2), non-coding transcript variant (1), intron variant (1).
Genome position (GRCh38, 1-based): chr7:5,999,158, C>A on the plus strand (G>T on the coding strand, the complement: PMS2 is on the minus strand). VCF-style: chr7-5999158-C-A. GRCh37 (hg19) VCF-style: chr7-6038789-C-A.
Other names: c.250G>T, p.Gly84Ter (NM_001322003.2, NM_001322004.2, NM_001322005.2 and 2 more transcripts); c.655G>T, p.Gly219Ter (NM_001322006.2, NM_001322014.2); c.337G>T, p.Gly113Ter (NM_001322007.2, NM_001322008.2); c.-279G>T (NM_001322011.2, NM_001322012.2); c.346G>T, p.Gly116Ter (NM_001322015.2); c.133-1735G>T (NM_001322013.2); c.655G>T (NM_000535.6); short protein forms G219*, G113*, G84*, G116*.
Identifiers: ClinVar variation 423043 (VCV000423043.18), dbSNP rs1064796190, ClinGen allele CA16618526.